The following is an entry in ClinVar:

ClinVar aggregate classification (germline): Likely benign. Review status: criteria provided, multiple submitters, no conflicts (2 of 4 stars). 3 submissions from 3 submitters: Likely benign (2). 1 of the submissions does not count toward it. Last evaluated 2025-08-31.

Conditions:
Developmental and epileptic encephalopathy, 42 (DEE42A). Also called: Epileptic encephalopathy, early infantile, 42; DEVELOPMENTAL AND EPILEPTIC ENCEPHALOPATHY 42A; EPILEPTIC ENCEPHALOPATHY, EARLY INFANTILE, 42A. Identifiers: MedGen C4310716, MONDO:0014917, OMIM 617106.
Episodic ataxia type 2 (EA2). Also called: ATAXIA, EPISODIC, WITH NYSTAGMUS; ATAXIA, FAMILIAL PAROXYSMAL; CEREBELLAR ATAXIA, PAROXYSMAL, ACETAZOLAMIDE-RESPONSIVE; CEREBELLOPATHY, HEREDITARY PAROXYSMAL; EPISODIC ATAXIA, NYSTAGMUS-ASSOCIATED; ACETAZOLAMIDE-RESPONSIVE HEREDITARY PAROXYSMAL CEREBELLAR ATAXIA. Identifiers: Orphanet 97, MedGen C1720416, MONDO:0007163, OMIM 108500.
CACNA1A-related disorder. Also called: CACNA1A-related condition.

Allele frequency attached by ClinVar (database versions not stated): gnomAD exomes 0.00001 and 0.00004; TOPMed 0.00001; ExAC 0.00002; gnomAD 0.00002.
gnomAD v4.1: 61 of 1,610,818 alleles (0.0038%); highest among the groups gnomAD compares: Non-Finnish European, 0.0049%; no homozygotes.

Submissions (3):

Labcorp Genetics (formerly Invitae), Labcorp
Classification: Likely benign for Developmental and epileptic encephalopathy, 42; Episodic ataxia type 2. Last evaluated: 2025-08-31. Review status: criteria provided, single submitter. Criteria: Invitae Variant Classification Sherloc (09022015). Collection method: clinical testing. Allele origin: germline.

GeneDx
Classification: Likely benign. Last evaluated: 2021-06-24. Review status: criteria provided, single submitter. Criteria: GeneDx Variant Classification Process June 2021. Collection method: clinical testing. Allele origin: germline. Affected: yes.

PreventionGenetics, part of Exact Sciences
Classification: Likely benign for CACNA1A-related condition. Last evaluated: 2019-06-10. Review status: no assertion criteria provided. Collection method: clinical testing. Allele origin: germline. Not counted in ClinVar's aggregate classification.
Comment: This variant is classified as likely benign based on ACMG/AMP sequence variant interpretation guidelines (Richards et al. 2015 PMID: 25741868, with internal and published modifications).

NM_001127222.2(CACNA1A):c.4251-4G>A

Gene: CACNA1A (calcium voltage-gated channel subunit alpha1 A; minus strand). Cytogenetic location: 19p13.13.
Variant type: single nucleotide variant.
Coding change: c.4251-4G>A on transcript NM_001127222.2 (MANE Select); 4 bases into the intron before coding-DNA position 4251, G replaced by A.
Molecular consequence: intron variant.
Genome position (GRCh38, 1-based): chr19:13,259,705, C>T on the plus strand (G>A on the coding strand, the complement: CACNA1A is on the minus strand). VCF-style: chr19-13259705-C-T. GRCh37 (hg19) VCF-style: chr19-13370519-C-T.
Other names: c.4254-4G>A (NM_001127221.2, NM_001174080.2); c.4263-4G>A (NM_000068.4, NM_023035.3); c.4251-4G>A (NM_001127222.1).
Identifiers: ClinVar variation 507668 (VCV000507668.15), dbSNP rs201785699, ClinGen allele CA9240043.